The following is an entry in ClinVar:

NM_182914.3(SYNE2):c.5069A>G (p.Glu1690Gly)

Gene: SYNE2 (spectrin repeat containing nuclear envelope protein 2; plus strand). Cytogenetic location: 14q23.2.
Variant type: single nucleotide variant.
Coding change: c.5069A>G on transcript NM_182914.3 (MANE Select); coding-DNA position 5069, A replaced by G.
Protein change: p.Glu1690Gly; replaces glutamic acid 1690 with glycine.
Molecular consequence: missense variant.
Genome position (GRCh38, 1-based): chr14:64,020,011, A>G. VCF-style: chr14-64020011-A-G. GRCh37 (hg19) VCF-style: chr14-64486729-A-G.
Other names: c.5069A>G, p.Glu1690Gly (NM_015180.6); c.5069A>G (NM_182914.2); short protein forms E1690G.
Identifiers: ClinVar variation 1939655 (VCV001939655.7), dbSNP rs367612349, ClinGen allele CA7220392.

ClinVar aggregate classification (germline): Uncertain significance. Review status: criteria provided, multiple submitters, no conflicts (2 of 4 stars). 3 submissions from 3 submitters: Uncertain significance (3). Last evaluated 2026-05-27.

Conditions:
Emery-Dreifuss muscular dystrophy 5, autosomal dominant (EDMD5). Also called: EMERY-DREIFUSS MUSCULAR DYSTROPHY 5. Identifiers: Orphanet 261, MedGen C2751805, MONDO:0013072, OMIM 612999.

gnomAD v4.1: 12 of 1,612,824 alleles (0.00074%); highest among the groups gnomAD compares: East Asian, 0.016%; no homozygotes.

Submissions (3):

Women's Health and Genetics/Laboratory Corporation of America, LabCorp
Classification: Uncertain significance. Last evaluated: 2026-05-27. Review status: criteria provided, single submitter. Criteria: LabCorp Variant Classification Summary - May 2015. Collection method: clinical testing. Allele origin: germline.
Comment: Variant summary: SYNE2 c.5069A>G (p.Glu1690Gly) results in a non-conservative amino acid change in the encoded protein sequence. Algorithms developed to predict the effect of missense changes on protein structure and function are either unavailable or do not agree on the potential impact of this missense change. The variant allele was found at a frequency of 8e-06 in 249416 control chromosomes. The available data on variant occurrences in the general population are insufficient to allow any conclusion about variant significance. These report(s) do not provide unequivocal conclusions about association of the variant with disease. To our knowledge, no experimental evidence demonstrating an impact on protein function has been reported. The following publication has been ascertained in the context of this evaluation (PMID: 32508047). ClinVar contains an entry for this variant (Variation ID: 1939655). Based on the evidence outlined above, the variant was classified as uncertain significance.

Revvity Omics, Revvity
Classification: Uncertain significance for Emery-Dreifuss muscular dystrophy 5, autosomal dominant. Last evaluated: 2024-01-09. Review status: criteria provided, single submitter. Criteria: ACMG Guidelines, 2015. Collection method: clinical testing. Allele origin: germline.

Labcorp Genetics (formerly Invitae), Labcorp
Classification: Uncertain significance for Emery-Dreifuss muscular dystrophy 5, autosomal dominant. Last evaluated: 2022-02-10. Review status: criteria provided, single submitter. Criteria: Invitae Variant Classification Sherloc (09022015). Collection method: clinical testing. Allele origin: germline.
Comment: This sequence change replaces glutamic acid, which is acidic and polar, with glycine, which is neutral and non-polar, at codon 1690 of the SYNE2 protein (p.Glu1690Gly). This variant is present in population databases (rs367612349, gnomAD 0.006%). This variant has not been reported in the literature in individuals affected with SYNE2-related conditions. Algorithms developed to predict the effect of missense changes on protein structure and function are either unavailable or do not agree on the potential impact of this missense change (SIFT: "Tolerated"; PolyPhen-2: "Probably Damaging"; Align-GVGD: "Class C0"). In summary, the available evidence is currently insufficient to determine the role of this variant in disease. Therefore, it has been classified as a Variant of Uncertain Significance.

Literature cited by the submitters: PubMed 32508047 (cited by Women's Health and Genetics/Laboratory Corporation of America, LabCorp).